The following is an entry in ClinVar:

NM_000336.3(SCNN1B):c.586-1G>A

Gene: SCNN1B (sodium channel epithelial 1 subunit beta; plus strand). Cytogenetic location: 16p12.2.
Variant type: single nucleotide variant.
Coding change: c.586-1G>A on transcript NM_000336.3 (MANE Select); the canonical splice acceptor site of the intron before coding-DNA position 586, G replaced by A.
Molecular consequence: splice acceptor variant.
Genome position (GRCh38, 1-based): chr16:23,355,298, G>A. VCF-style: chr16-23355298-G-A. GRCh37 (hg19) VCF-style: chr16-23366619-G-A.
Other names: c.586-1G>A (NM_001410900.1).
Identifiers: ClinVar variation 3654279 (VCV003654279.2).

ClinVar aggregate classification (germline): Likely pathogenic (1 of 4 stars; one submission).

Submission:

Labcorp Genetics (formerly Invitae), Labcorp
Classification: Likely pathogenic. Last evaluated: 2024-05-22. Review status: criteria provided, single submitter. Criteria: Invitae Variant Classification Sherloc (09022015). Collection method: clinical testing. Allele origin: germline.
Comment: This sequence change affects an acceptor splice site in intron 3 of the SCNN1B gene. It is expected to disrupt RNA splicing. Variants that disrupt the donor or acceptor splice site typically lead to a loss of protein function (PMID: 16199547), and loss-of-function variants in SCNN1B are known to be pathogenic (PMID: 12107427, 23426840, 26807262). This variant is not present in population databases (gnomAD no frequency). This variant has not been reported in the literature in individuals affected with SCNN1B-related conditions. Algorithms developed to predict the effect of sequence changes on RNA splicing suggest that this variant may disrupt the consensus splice site. In summary, the currently available evidence indicates that the variant is pathogenic, but additional data are needed to prove that conclusively. Therefore, this variant has been classified as Likely Pathogenic.

Literature cited by the submitters: PubMed 16199547; PubMed 12107427; PubMed 23426840; PubMed 26807262.